The following is an entry in ClinVar:

ClinVar aggregate classification (germline): Uncertain significance (1 of 4 stars; one submission).

Submission:

GeneDx
Classification: Uncertain significance. Last evaluated: 2019-12-13. Review status: criteria provided, single submitter. Criteria: GeneDx Variant Classification Process June 2021. Collection method: clinical testing. Allele origin: germline. Affected: yes.
Comment: Not observed in large population cohorts (Lek et al., 2016); In silico analysis, which includes protein predictors and evolutionary conservation, supports a deleterious effect; Has not been previously published as pathogenic or benign to our knowledge

NM_001001331.4(ATP2B2):c.2658C>G (p.Asn886Lys)

Gene: ATP2B2 (ATPase plasma membrane Ca2+ transporting 2; minus strand). Cytogenetic location: 3p25.3.
Variant type: single nucleotide variant.
Coding change: c.2658C>G on transcript NM_001001331.4 (MANE Select); coding-DNA position 2658, C replaced by G.
Protein change: p.Asn886Lys; replaces asparagine 886 with lysine.
Molecular consequence: missense variant.
Genome position (GRCh38, 1-based): chr3:10,345,429, G>C on the plus strand (C>G on the coding strand, the complement: ATP2B2 is on the minus strand). VCF-style: chr3-10345429-G-C. GRCh37 (hg19) VCF-style: chr3-10387113-G-C.
Other names: c.2523C>G, p.Asn841Lys (NM_001330611.3, NM_001353564.1, NM_001363862.1 and 1 more transcripts); short protein forms N841K, N886K.
Identifiers: ClinVar variation 1310703 (VCV001310703.2), dbSNP rs145040618, ClinGen allele CA351778297.